The following is an entry in ClinVar:

NM_001164508.2(NEB):c.2332G>T (p.Glu778Ter)

Gene: NEB (nebulin; minus strand). Cytogenetic location: 2q23.3.
Variant type: single nucleotide variant.
Coding change: c.2332G>T on transcript NM_001164508.2 (MANE Select); coding-DNA position 2332, G replaced by T.
Protein change: p.Glu778Ter; replaces glutamic acid 778 with a stop codon.
Molecular consequence: nonsense.
Genome position (GRCh38, 1-based): chr2:151,688,375, C>A on the plus strand (G>T on the coding strand, the complement: NEB is on the minus strand). VCF-style: chr2-151688375-C-A. GRCh37 (hg19) VCF-style: chr2-152544889-C-A.
Other names: c.2332G>T, p.Glu778Ter (NM_001164507.2, NM_001271208.2, NM_004543.5); short protein forms E778*.
Identifiers: ClinVar variation 1726434 (VCV001726434.2), dbSNP rs2552266629, ClinGen allele CA348823234.

ClinVar aggregate classification (germline): Likely pathogenic (1 of 4 stars; one submission).

Conditions:
Nemaline myopathy 2 (NEM2). Also called: Nemaline myopathy 2, autosomal recessive. Identifiers: MedGen C1850569, MONDO:0009725, OMIM 256030.

Submission:

Myriad Genetics, Inc.
Classification: Likely pathogenic for Nemaline myopathy 2. Last evaluated: 2021-12-17. Review status: criteria provided, single submitter. Criteria: Myriad Women's Health Autosomal Recessive and X-Linked Classification Criteria (2021). Collection method: clinical testing. Allele origin: unknown.
Comment: NM_001271208.1(NEB):c.2332G>T(E778*) is expected to be pathogenic in the context of NEB-related nemaline myopathy. This variant is predicted to lead to an abnormal or absent protein product due to the creation of a premature termination codon in NEB, a gene where loss-of-function variants are known to be pathogenic. Please note: this variant was assessed in the context of healthy population screening.